The following is an entry in ClinVar:

NM_004360.5(CDH1):c.1020G>C (p.Thr340=)

Gene: CDH1 (cadherin 1; plus strand). Cytogenetic location: 16q22.1.
Variant type: single nucleotide variant.
Coding change: c.1020G>C on transcript NM_004360.5 (MANE Select); coding-DNA position 1020, G replaced by C.
Protein change: p.Thr340=; no amino-acid change (threonine 340 retained).
Molecular consequence: synonymous variant. On other transcripts: 5 prime UTR variant (2).
Genome position (GRCh38, 1-based): chr16:68,812,146, G>C. VCF-style: chr16-68812146-G-C. GRCh37 (hg19) VCF-style: chr16-68846049-G-C.
Other names: c.1020G>C, p.Thr340= (NM_001317184.2); c.-596G>C (NM_001317185.2); c.-800G>C (NM_001317186.2).
Identifiers: ClinVar variation 923842 (VCV000923842.3), dbSNP rs61747632, ClinGen allele CA496153007.

ClinVar aggregate classification (germline): Benign/Likely benign. Review status: criteria provided, multiple submitters, no conflicts (2 of 4 stars). 2 submissions from 2 submitters: Benign (1); Likely benign (1). Last evaluated 2024-09-17.

Conditions:
Hereditary cancer-predisposing syndrome. Also called: Hereditary Cancer Syndrome; Hereditary neoplastic syndrome; Neoplastic Syndromes, Hereditary; Tumor predisposition. Identifiers: Orphanet 140162, MedGen C0027672, MeSH D009386, MONDO:0015356.
Hereditary diffuse gastric adenocarcinoma (HDGC). Also called: DIFFUSE GASTRIC AND LOBULAR BREAST CANCER SYNDROME. Identifiers: Orphanet 26106, MedGen C1708349, MONDO:0007648, OMIM 137215.

Submissions (2):

Myriad Genetics, Inc.
Classification: Benign for Hereditary diffuse gastric adenocarcinoma. Last evaluated: 2024-09-17. Review status: criteria provided, single submitter. Criteria: Myriad Autosomal Dominant, Autosomal Recessive and X-Linked Classification Criteria (2023). Collection method: clinical testing. Allele origin: unknown.
Comment: This variant is considered benign. This variant is a silent/synonymous amino acid change and it is not expected to impact splicing.

Color Diagnostics, LLC DBA Color Health
Classification: Likely benign for Hereditary cancer-predisposing syndrome. Last evaluated: 2018-12-03. Review status: criteria provided, single submitter. Criteria: ACMG Guidelines, 2015. Collection method: clinical testing. Allele origin: germline.